The following is an entry in ClinVar:

NC_012920.1(MT-TS1):m.7468C>T

Gene: MT-TS1 (mitochondrially encoded tRNA serine 1 (UCN); minus strand).
Variant type: single nucleotide variant.
Genome position: chrM-7468-C-T.
Identifiers: ClinVar variation 42224 (VCV000042224.7), dbSNP rs111033173, ClinGen allele CA131010.
Genomic context (GRCh38, chrMT:7,468, plus strand): 5'-ACCACACATTCGAAGAACCCGTATACATAAAATCTAGACAAAAAAGGAAGGAATCGAACC[C>T]CCCAAAGCTGGTTTCAAGCCAACCCCATGGCCTCCATGACTTTTTCAAAAAGGTATTAGA-3'

ClinVar aggregate classification (germline): Conflicting classifications of pathogenicity. Review status: criteria provided, conflicting classifications (1 of 4 stars). 4 submissions from 4 submitters: Uncertain significance (1); Benign (2). 1 of the submissions does not count toward it. Last evaluated 2019-07-12.

Conditions:
MELAS syndrome (MELAS). Also called: Juvenile myopathy, encephalopathy, lactic acidosis, stroke. Identifiers: Orphanet 550, MedGen C0162671, MONDO:0010789, OMIM 540000.

Submissions (4):

Wong Mito Lab, Molecular and Human Genetics, Baylor College of Medicine
Classification: Benign for MELAS syndrome. Last evaluated: 2019-07-12. Review status: criteria provided, single submitter. Criteria: Modified ACMG Guidelines (Unpublished). Collection method: clinical testing. Allele origin: germline.
Comment: The NC_012920.1:m.7468C>T variant in MT-TS1 gene is interpreted to be a Benign variant based on the modified ACMG guidelines (unpublished). This variant meets the following evidence codes reported in the guidelines: BS1, BS4, BP4

Athena Diagnostics
Classification: Benign. Last evaluated: 2019-02-18. Review status: criteria provided, single submitter. Criteria: Athena Diagnostics Criteria. Collection method: clinical testing. Allele origin: germline.

Stanford Center for Inherited Cardiovascular Disease, Stanford University
Classification: Uncertain significance. Last evaluated: 2013-02-07. Review status: criteria provided, single submitter. Criteria: ACMG Guidelines, 2015. Collection method: provider interpretation. Allele origin: germline.

Laboratory for Molecular Medicine, Mass General Brigham Personalized Medicine
Classification: Uncertain significance. Last evaluated: 2009-04-30. Review status: no assertion criteria provided. Collection method: clinical testing. Allele origin: germline. Observed: 5 variant alleles. Not counted in ClinVar's aggregate classification.

Literature cited by the submitters: PubMed 31965079 (cited by Wong Mito Lab, Molecular and Human Genetics, Baylor College of Medicine).